The following is an entry in ClinVar:

NM_005535.3(IL12RB1):c.1097C>T (p.Thr366Met)

Gene: IL12RB1 (interleukin 12 receptor subunit beta 1; minus strand). Cytogenetic location: 19p13.11.
Variant type: single nucleotide variant.
Coding change: c.1097C>T on transcript NM_005535.3 (MANE Select); coding-DNA position 1097, C replaced by T.
Protein change: p.Thr366Met; replaces threonine 366 with methionine.
Molecular consequence: missense variant.
Genome position (GRCh38, 1-based): chr19:18,069,638, G>A on the plus strand (C>T on the coding strand, the complement: IL12RB1 is on the minus strand). VCF-style: chr19-18069638-G-A. GRCh37 (hg19) VCF-style: chr19-18180448-G-A.
Other names: c.1097C>T, p.Thr366Met (NM_001290023.2); c.1217C>T, p.Thr406Met (NM_001290024.2); short protein forms T366M, T406M.
Identifiers: ClinVar variation 1044858 (VCV001044858.6), dbSNP rs373994902, ClinGen allele CA9304961.

ClinVar aggregate classification (germline): Uncertain significance. Review status: criteria provided, multiple submitters, no conflicts (2 of 4 stars). 2 submissions from 2 submitters: Uncertain significance (2). Last evaluated 2022-10-04.

Conditions:
Inborn genetic diseases. Identifiers: MedGen C0950123, MeSH D030342.
Mendelian susceptibility to mycobacterial diseases due to complete IL12RB1 deficiency. Also called: IL12RB1 DEFICIENCY; Immunodeficiency 30. Identifiers: Orphanet 319552, MedGen C4013949, MONDO:0013955, OMIM 614891.

Allele frequency attached by ClinVar (database versions not stated): gnomAD 0.00001 and 0.00002; ESP Exome Variant Server 0.00008; TOPMed 0.00002; ExAC 0.00006; gnomAD exomes 0.00004.
gnomAD v4.1: 156 of 1,613,128 alleles (0.0097%); highest among the groups gnomAD compares: South Asian, 0.015%; no homozygotes.

Submissions (2):

Ambry Genetics
Classification: Uncertain significance for Inborn genetic diseases. Last evaluated: 2022-10-04. Review status: criteria provided, single submitter. Criteria: Ambry Variant Classification Scheme 2023. Collection method: clinical testing. Allele origin: germline.

Labcorp Genetics (formerly Invitae), Labcorp
Classification: Uncertain significance for Mendelian susceptibility to mycobacterial diseases due to complete IL12RB1 deficiency. Last evaluated: 2022-07-06. Review status: criteria provided, single submitter. Criteria: Invitae Variant Classification Sherloc (09022015). Collection method: clinical testing. Allele origin: germline.
Comment: This sequence change replaces threonine, which is neutral and polar, with methionine, which is neutral and non-polar, at codon 366 of the IL12RB1 protein (p.Thr366Met). This variant is present in population databases (rs373994902, gnomAD 0.01%). This variant has not been reported in the literature in individuals affected with IL12RB1-related conditions. ClinVar contains an entry for this variant (Variation ID: 1044858). Algorithms developed to predict the effect of missense changes on protein structure and function are either unavailable or do not agree on the potential impact of this missense change (SIFT: "Deleterious"; PolyPhen-2: "Possibly Damaging"; Align-GVGD: "Class C0"). In summary, the available evidence is currently insufficient to determine the role of this variant in disease. Therefore, it has been classified as a Variant of Uncertain Significance.